The following is an entry in ClinVar:

ClinVar aggregate classification (germline): Pathogenic/Likely pathogenic. Review status: criteria provided, multiple submitters, no conflicts (2 of 4 stars). 2 submissions from 2 submitters: Pathogenic (1); Likely pathogenic (1). Last evaluated 2024-06-11.

Conditions:
Juvenile nephropathic cystinosis. Also called: Later-Onset (Juvenile) Cystinosis; Intermediate Cystinosis; CYSTINOSIS, LATE-ONSET JUVENILE OR ADOLESCENT NEPHROPATHIC TYPE. Identifiers: Orphanet 213, Orphanet 411634, MedGen C0268626, MONDO:0009066, OMIM 219900.
Nephropathic cystinosis (CTNS). Also called: CYSTINOSIN, DEFECT OF; LYSOSOMAL CYSTINE TRANSPORT PROTEIN, DEFECT OF; Abderhalden Lignac Kaufmann disease; Abderhalden-Kaufmann-Lignac syndrome. Identifiers: Orphanet 213, Orphanet 411629, MedGen C2931187, MONDO:0100151, OMIM 219800.
Ocular cystinosis. Also called: Non-Nephropathic (Ocular) Cystinosis; Non-Nephropathic Cystinosis. Identifiers: Orphanet 213, Orphanet 411641, MedGen C2931013, MONDO:0009064, OMIM 219750.
Inborn genetic diseases. Identifiers: MedGen C0950123, MeSH D030342.

Submissions (2):

Fulgent Genetics
Classification: Likely pathogenic for Ocular cystinosis; Nephropathic cystinosis; Juvenile nephropathic cystinosis. Last evaluated: 2024-06-11. Review status: criteria provided, single submitter. Criteria: ACMG Guidelines, 2015. Collection method: clinical testing. Allele origin: germline.

Labcorp Genetics (formerly Invitae), Labcorp
Classification: Pathogenic for Inborn genetic diseases; Ocular cystinosis; Juvenile nephropathic cystinosis. Last evaluated: 2023-12-22. Review status: criteria provided, single submitter. Criteria: Invitae Variant Classification Sherloc (09022015). Collection method: clinical testing. Allele origin: germline.
Comment: This sequence change creates a premature translational stop signal (p.Val76Leufs*7) in the CTNS gene. It is expected to result in an absent or disrupted protein product. Loss-of-function variants in CTNS are known to be pathogenic (PMID: 9537412, 27102039). This variant is not present in population databases (gnomAD no frequency). This variant has not been reported in the literature in individuals affected with CTNS-related conditions. Algorithms developed to predict the effect of sequence changes on RNA splicing suggest that this variant may disrupt the consensus splice site. For these reasons, this variant has been classified as Pathogenic.

Literature cited by the submitters: PubMed 9537412 (cited by Labcorp Genetics (formerly Invitae), Labcorp); PubMed 27102039 (cited by Labcorp Genetics (formerly Invitae), Labcorp).

NM_004937.3(CTNS):c.226del

Genes: CTNS (cystinosin, lysosomal cystine transporter; plus strand), CTNS-AS1 (CTNS antisense RNA 1; minus strand). Cytogenetic location: 17p13.2.
Variant type: Deletion.
Coding change: c.226del on transcript NM_004937.3 (MANE Select); coding-DNA position 226, one base deleted (G; older notation c.226delG).
Genome position (GRCh38, 1-based): chr17:3,654,998, G deleted; the last of 2 consecutive G bases (chr17:3,654,997-3,654,998); deleting either gives the same sequence. VCF-style (leftmost placement, unchanged base first): chr17-3654996-AG-A. GRCh37 (hg19) VCF-style: chr17-3558290-AG-A.
Identifiers: ClinVar variation 2950669 (VCV002950669.4), dbSNP rs867630648, ClinGen allele CA287015909.
Genomic context (GRCh38, chr17:3,654,996, plus strand): 5'-ATGCCAGCGGGGTCCTCGGTAACTGTACGTGGCATCGGATTGAACCTCAGTCTTCCTAAC[AG>A]GTTGTGGTGCCTCCTGGAGTGACAAACTCCTCTTTTCAAGTGACATCTCAAAATGTTGGA-3'